The following is an entry in ClinVar:

ClinVar aggregate classification (germline): Uncertain significance (1 of 4 stars; one submission).

Conditions:
Noonan syndrome 9 (NS9). Identifiers: Orphanet 648, MedGen C4225282, MONDO:0014691, OMIM 616559.

Allele frequency attached by ClinVar (database versions not stated): gnomAD exomes below 0.00001.
gnomAD v4.1: 1 of 1,614,172 alleles (0.000062%); highest among the groups gnomAD compares: Non-Finnish European, 0.000085%; no homozygotes.

Submission:

Labcorp Genetics (formerly Invitae), Labcorp
Classification: Uncertain significance for Noonan syndrome 9. Last evaluated: 2024-10-20. Review status: criteria provided, single submitter. Criteria: Invitae Variant Classification Sherloc (09022015). Collection method: clinical testing. Allele origin: germline.
Comment: This sequence change replaces leucine, which is neutral and non-polar, with valine, which is neutral and non-polar, at codon 465 of the SOS2 protein (p.Leu465Val). This variant is not present in population databases (gnomAD no frequency). This variant has not been reported in the literature in individuals affected with SOS2-related conditions. Invitae Evidence Modeling of protein sequence and biophysical properties (such as structural, functional, and spatial information, amino acid conservation, physicochemical variation, residue mobility, and thermodynamic stability) indicates that this missense variant is not expected to disrupt SOS2 protein function with a negative predictive value of 95%. In summary, the available evidence is currently insufficient to determine the role of this variant in disease. Therefore, it has been classified as a Variant of Uncertain Significance.

NM_006939.4(SOS2):c.1393T>G (p.Leu465Val)

Gene: SOS2 (SOS Ras/Rho guanine nucleotide exchange factor 2; minus strand). Cytogenetic location: 14q21.3.
Variant type: single nucleotide variant.
Coding change: c.1393T>G on transcript NM_006939.4 (MANE Select); coding-DNA position 1393, T replaced by G.
Protein change: p.Leu465Val; replaces leucine 465 with valine.
Molecular consequence: missense variant.
Genome position (GRCh38, 1-based): chr14:50,159,890, A>C on the plus strand (T>G on the coding strand, the complement: SOS2 is on the minus strand). VCF-style: chr14-50159890-A-C. GRCh37 (hg19) VCF-style: chr14-50626608-A-C.
Other names: c.1294T>G, p.Leu432Val (NM_001411020.1); short protein forms L465V, L432V.
Identifiers: ClinVar variation 2910079 (VCV002910079.3), dbSNP rs2502990930, ClinGen allele CA389645886.
Genomic context (GRCh38, chr14:50,159,890, plus strand): 5'-CTGCACTACTGTAACCTGGAAGCCGAGTCTGGCCATGATTAGGTTTACAACTGATCATTA[A>C]GCCATCAAACAGAAAAATATGCCGTTCATGTTTGGCACCGATTCTTGTCAATGGTCCCTC-3'
Protein context (NP_008870.2, residues 455-475): HERHIFLFDG[Leu465Val]MISCKPNHGQ